The following is an entry in ClinVar:

NM_025103.4(IFT74):c.707C>T (p.Thr236Ile)

Gene: IFT74 (intraflagellar transport 74; plus strand). Cytogenetic location: 9p21.2.
Variant type: single nucleotide variant.
Coding change: c.707C>T on transcript NM_025103.4 (MANE Select); coding-DNA position 707, C replaced by T.
Protein change: p.Thr236Ile; replaces threonine 236 with isoleucine.
Molecular consequence: missense variant.
Genome position (GRCh38, 1-based): chr9:27,009,139, C>T. VCF-style: chr9-27009139-C-T. GRCh37 (hg19) VCF-style: chr9-27009137-C-T.
Other names: c.707C>T, p.Thr236Ile (NM_001099222.3, NM_001099223.3, NM_001099224.3 and 1 more transcripts); short protein forms T236I.
Identifiers: ClinVar variation 3353333 (VCV003353333.1).

ClinVar aggregate classification (germline): Uncertain significance (0 of 4 stars; one submission).

Conditions:
IFT74-related disorder. Also called: IFT74-related condition; IFT74-Related Disorders.

gnomAD v4.1: 6 of 1,612,404 alleles (0.00037%); highest among the groups gnomAD compares: Non-Finnish European, 0.00051%; no homozygotes.

Submission:

PreventionGenetics, part of Exact Sciences
Classification: Uncertain significance for IFT74-related condition. Last evaluated: 2024-08-13. Review status: no assertion criteria provided. Collection method: clinical testing. Allele origin: germline.
Comment: The IFT74 c.707C>T variant is predicted to result in the amino acid substitution p.Thr236Ile. To our knowledge, this variant has not been reported in the literature. This variant is reported in 0.0065% of alleles in individuals of European (Non-Finnish) descent in gnomAD. At this time, the clinical significance of this variant is uncertain due to the absence of conclusive functional and genetic evidence.